The following is an entry in ClinVar:

ClinVar aggregate classification (germline): Likely benign (1 of 4 stars; one submission).

Submission:

CeGaT Center for Human Genetics Tuebingen
Classification: Likely benign. Last evaluated: 2026-05-01. Review status: criteria provided, single submitter. Criteria: CeGaT Center For Human Genetics Tuebingen Variant Classification Criteria Version 2. Collection method: clinical testing. Allele origin: germline. Affected: yes. Observed: 1 variant allele.
Comment: ZEB2: PM2:Supporting, BP4, BP7

NM_014795.4(ZEB2):c.1557T>C (p.Asn519=)

Gene: ZEB2 (zinc finger E-box binding homeobox 2; minus strand). Cytogenetic location: 2q22.3.
Variant type: single nucleotide variant.
Coding change: c.1557T>C on transcript NM_014795.4 (MANE Select); coding-DNA position 1557, T replaced by C.
Protein change: p.Asn519=; no amino-acid change (asparagine 519 retained).
Molecular consequence: synonymous variant.
Genome position (GRCh38, 1-based): chr2:144,399,630, A>G on the plus strand (T>C on the coding strand, the complement: ZEB2 is on the minus strand). VCF-style: chr2-144399630-A-G. GRCh37 (hg19) VCF-style: chr2-145157197-A-G.
Other names: c.1485T>C, p.Asn495= (NM_001171653.2).
Identifiers: ClinVar variation 4872310 (VCV004872310.2).